The following is an entry in ClinVar:

ClinVar aggregate classification (germline): Likely pathogenic (1 of 4 stars; one submission).

Submission:

Labcorp Genetics (formerly Invitae), Labcorp
Classification: Likely pathogenic. Last evaluated: 2023-12-11. Review status: criteria provided, single submitter. Criteria: Invitae Variant Classification Sherloc (09022015). Collection method: clinical testing. Allele origin: germline.
Comment: This sequence change affects a donor splice site in intron 29 of the MYO15A gene. It is expected to disrupt RNA splicing. Variants that disrupt the donor or acceptor splice site typically lead to a loss of protein function (PMID: 16199547), and loss-of-function variants in MYO15A are known to be pathogenic (PMID: 17546645). This variant is not present in population databases (gnomAD no frequency). Disruption of this splice site has been observed in individual(s) with deafness (PMID: 27344577). Algorithms developed to predict the effect of sequence changes on RNA splicing suggest that this variant may disrupt the consensus splice site. In summary, the currently available evidence indicates that the variant is pathogenic, but additional data are needed to prove that conclusively. Therefore, this variant has been classified as Likely Pathogenic.

Literature cited by the submitters: PubMed 16199547; PubMed 17546645; PubMed 27344577.

NM_016239.4(MYO15A):c.6273+1G>T

Gene: MYO15A (myosin XVA; plus strand). Cytogenetic location: 17p11.2.
Variant type: single nucleotide variant.
Coding change: c.6273+1G>T on transcript NM_016239.4 (MANE Select); the canonical splice donor site of the intron after coding-DNA position 6273, G replaced by T.
Molecular consequence: splice donor variant.
Genome position (GRCh38, 1-based): chr17:18,144,593, G>T. VCF-style: chr17-18144593-G-T. GRCh37 (hg19) VCF-style: chr17-18047907-G-T.
Identifiers: ClinVar variation 2702218 (VCV002702218.3), dbSNP rs2545268950, ClinGen allele CA398606292.